The following is an entry in ClinVar:

NM_001378454.1(ALMS1):c.7373_7376del (p.Asp2458fs)

Gene: ALMS1 (ALMS1 centrosome and basal body associated protein; plus strand). Cytogenetic location: 2p13.1.
Variant type: Deletion.
Coding change: c.7373_7376del on transcript NM_001378454.1 (MANE Select); coding-DNA positions 7373 to 7376, 4 bases deleted (ATAG; older notation c.7373_7376delATAG).
Protein change: p.Asp2458fs; shifts the reading frame from aspartic acid 2458.
Molecular consequence: frameshift variant.
Genome position (GRCh38, 1-based): chr2:73,453,900-73,453,903, ATAG deleted; deleting any 4 consecutive bases within chr2:73,453,898-73,453,903 gives the same sequence; the c. name uses the placement nearest the transcript's 3' end. VCF-style (leftmost placement, unchanged base first): chr2-73453897-CAGAT-C. GRCh37 (hg19) VCF-style: chr2-73681024-CAGAT-C.
Other names: c.7376_7379del, p.Asp2459fs (NM_015120.4); c.7376_7379delATAG (NM_015120.4); short protein forms D2459fs, D2458fs.
Identifiers: ClinVar variation 556391 (VCV000556391.19), dbSNP rs1370417967, ClinGen allele CA658822901.

ClinVar aggregate classification (germline): Pathogenic. Review status: criteria provided, multiple submitters, no conflicts (2 of 4 stars). 5 submissions from 5 submitters: Pathogenic (4). 1 of the submissions does not count toward it. Last evaluated 2026-08-24.

Conditions:
Cardiovascular phenotype. Identifiers: MedGen CN230736.
Alstrom syndrome (ALMS). Identifiers: Orphanet 64, MedGen C0268425, MONDO:0008763, OMIM 203800.

Submissions (5):

GeneDx
Classification: Pathogenic. Last evaluated: 2026-08-24. Review status: criteria provided, single submitter. Criteria: GeneDx Variant Classification Process June 2021. Collection method: clinical testing. Allele origin: germline.
Comment: Frameshift variant predicted to result in protein truncation or nonsense mediated decay in a gene for which loss of function is a known mechanism of disease; Not observed at significant frequency in large population cohorts (gnomAD); This variant is associated with the following publications: (PMID: 25296579, 26704672, 25846608, 28112973)

Natera, Inc.
Classification: Pathogenic for Alstrom syndrome. Last evaluated: 2025-08-27. Review status: criteria provided, single submitter. Criteria: Natera Variant Classification Schema (03/2026). Collection method: clinical testing. Allele origin: germline.
Comment: The c.7376_7379delATAG variant in ALMS1 is a frameshift variant predicted to shift the reading frame beginning at codon 2459 and leads to a stop codon 18 codons downstream. This variant is expected to result in nonsense mediated decay, truncation, or a dysfunctional protein product. This variant is rare in the general population with a frequency below the threshold expected for the associated phenotype(s). This variant has been observed in one or more individuals affected with the associated recessive disease, as either homozygous or compound heterozygous with a second variant (PMID: 28112973, 26704672). Given the available evidence, this variant is classified as Pathogenic.

Labcorp Genetics (formerly Invitae), Labcorp
Classification: Pathogenic for Alstrom syndrome. Last evaluated: 2025-03-04. Review status: criteria provided, single submitter. Criteria: Invitae Variant Classification Sherloc (09022015). Collection method: clinical testing. Allele origin: germline.
Comment: This sequence change creates a premature translational stop signal (p.Asp2459Alafs*18) in the ALMS1 gene. It is expected to result in an absent or disrupted protein product. Loss-of-function variants in ALMS1 are known to be pathogenic (PMID: 17594715). This variant is not present in population databases (gnomAD no frequency). This premature translational stop signal has been observed in individual(s) with Alstrom syndrome (PMID: 25846608). ClinVar contains an entry for this variant (Variation ID: 556391). Algorithms developed to predict the effect of sequence changes on RNA splicing suggest that this variant may create or strengthen a splice site. For these reasons, this variant has been classified as Pathogenic.

Ambry Genetics
Classification: Pathogenic for Cardiovascular phenotype. Last evaluated: 2023-09-07. Review status: criteria provided, single submitter. Criteria: Ambry Variant Classification Scheme 2023. Collection method: clinical testing. Allele origin: germline.
Comment: The c.7376_7379delATAG pathogenic mutation, located in coding exon 8 of the ALMS1 gene, results from a deletion of 4 nucleotides at nucleotide positions 7376 to 7379, causing a translational frameshift with a predicted alternate stop codon (p.D2459Afs*18). In a cohort of individuals with Alstrom syndrome, this mutation was identified in 2 alleles (Marshall JD et al. Hum. Mutat., 2015 Jul;36:660-8). This variant is considered to be rare based on population cohorts in the Genome Aggregation Database (gnomAD). In addition to the clinical data presented in the literature, this alteration is expected to result in loss of function by premature protein truncation or nonsense-mediated mRNA decay. As such, this alteration is interpreted as a disease-causing mutation.

Counsyl
Classification: Likely pathogenic for Alstrom syndrome. Last evaluated: 2018-01-26. Review status: no assertion criteria provided. Collection method: clinical testing. Allele origin: unknown. Not counted in ClinVar's aggregate classification.

Literature cited by the submitters: PubMed 28112973 (cited by Natera, Inc.); PubMed 26704672 (cited by Natera, Inc.); PubMed 17594715 (cited by Labcorp Genetics (formerly Invitae), Labcorp); PubMed 25846608 (cited by 3 submitters).